The following is an entry in ClinVar:

ClinVar aggregate classification (germline): Uncertain significance. Review status: reviewed by expert panel (3 of 4 stars). 2 submissions from 2 submitters: Uncertain significance (1). 1 of the submissions does not count toward it. Last evaluated 2019-09-29.

Conditions:
Phenylketonuria (PKU). Also called: Phenylketonuria (PKU); FOLLING DISEASE; OLIGOPHRENIA PHENYLPYRUVICA; Phenylketonurias. Identifiers: Orphanet 716, MedGen C0031485, MONDO:0009861, OMIM 261600. Disease mechanism: loss of function.

Submissions (2):

ClinGen PAH Variant Curation Expert Panel
Classification: Uncertain significance for Phenylketonuria. Last evaluated: 2019-09-29. Review status: reviewed by expert panel. Criteria: ClinGen PAH ACMG Specifications v1. Collection method: curation. Allele origin: germline. Inheritance: Autosomal recessive inheritance.
Comment: The c.168+6T>G variant has been identified in at least 1 proband with classical PKU (PMIDs: 8889590) in trans with pathogenic variant c.47_48delCT (ClinVar 102696). This variant is absent from 1000G, ESP, and gnomAD databases. In summary, this variant meets criteria to be classified as unknown significance for PAH. PAH-specific ACMG/AMP criteria applied: PM2, PM3_supporting, PP4.

DeBelle Laboratory for Biochemical Genetics, MUHC/MCH RESEARCH INSTITUTE
No classification provided. Review status: no classification provided. Collection method: not provided. Allele origin: not provided. Not counted in ClinVar's aggregate classification.

Literature cited by the submitters: PubMed 8889590 (cited by ClinGen PAH Variant Curation Expert Panel).

NM_000277.3(PAH):c.168+6T>G

Gene: PAH (phenylalanine hydroxylase; minus strand). Cytogenetic location: 12q23.2.
Variant type: single nucleotide variant.
Coding change: c.168+6T>G on transcript NM_000277.3 (MANE Select); 6 bases into the intron after coding-DNA position 168, T replaced by G.
Molecular consequence: intron variant.
Genome position (GRCh38, 1-based): chr12:102,912,785, A>C on the plus strand (T>G on the coding strand, the complement: PAH is on the minus strand). VCF-style: chr12-102912785-A-C. GRCh37 (hg19) VCF-style: chr12-103306563-A-C.
Other names: c.168+6T>G (NM_001354304.2).
Identifiers: ClinVar variation 102608 (VCV000102608.2), dbSNP rs62516144, ClinGen allele CA229456.
Genomic context (GRCh38, chr12:102,912,785, plus strand): 5'-TAACTAGAAAAGAACATGGAAGTTTGCTACGACATTATCCAAGACAAACATGATTGTAGC[A>C]CTGACCTCAAATAAGCGCAATACTTTGGCCAATGCACCAACTTCTTCTTTGAGTGAGAAG-3'